The following is an entry in ClinVar:

ClinVar aggregate classification (germline): Pathogenic (1 of 4 stars; one submission).

Conditions:
Neuropathy, hereditary sensory and autonomic, type 2A (HSAN2A). Also called: ACROOSTEOLYSIS, GIACCAI TYPE; ACROOSTEOLYSIS, NEUROGENIC; MORVAN DISEASE; NEUROPATHY, CONGENITAL SENSORY; NEUROPATHY, HEREDITARY SENSORY RADICULAR, AUTOSOMAL RECESSIVE; NEUROPATHY, HEREDITARY SENSORY, TYPE IIA. Identifiers: Orphanet 970, MedGen C2752089, MONDO:0024309, OMIM 201300.
Pseudohypoaldosteronism type 2C (PHA2C). Also called: Pseudohypoaldosteronism Type IIC. Identifiers: Orphanet 757, Orphanet 88940, MedGen C1840391, MONDO:0013778, OMIM 614492.

Submission:

Labcorp Genetics (formerly Invitae), Labcorp
Classification: Pathogenic for Neuropathy, hereditary sensory and autonomic, type 2A; Pseudohypoaldosteronism type 2C. Last evaluated: 2024-04-10. Review status: criteria provided, single submitter. Criteria: Invitae Variant Classification Sherloc (09022015). Collection method: clinical testing. Allele origin: germline.
Comment: This sequence change creates a premature translational stop signal (p.Asn2395Ilefs*84) in the WNK1 gene. It is expected to result in an absent or disrupted protein product. Loss-of-function variants in WNK1 are known to be pathogenic (PMID: 22910560). This variant is not present in population databases (gnomAD no frequency). This variant has not been reported in the literature in individuals affected with WNK1-related conditions. For these reasons, this variant has been classified as Pathogenic.

Literature cited by the submitters: PubMed 22910560.

NM_018979.4(WNK1):c.6426del (p.Asn2143fs)

Gene: WNK1 (WNK lysine deficient protein kinase 1; plus strand). Cytogenetic location: 12p13.33.
Variant type: Deletion.
Coding change: c.6426del on transcript NM_018979.4 (MANE Select); coding-DNA position 6426, one base deleted (G; older notation c.6426delG).
Protein change: p.Asn2143fs; shifts the reading frame from asparagine 2143.
Molecular consequence: frameshift variant.
Genome position (GRCh38, 1-based): chr12:897,659, G deleted; the last of 4 consecutive G bases (chr12:897,656-897,659); deleting any one gives the same sequence. VCF-style (leftmost placement, unchanged base first): chr12-897655-TG-T. GRCh37 (hg19) VCF-style: chr12-1006821-TG-T.
Other names: c.7206del, p.Asn2403fs (NM_001184985.2); c.5682del, p.Asn1895fs (NM_014823.3); c.7182del, p.Asn2395fs (NM_213655.5); short protein forms N1895fs, N2143fs, N2395fs, N2403fs.
Identifiers: ClinVar variation 3755789 (VCV003755789.2).